The following is an entry in ClinVar:

ClinVar aggregate classification (germline): Uncertain significance (1 of 4 stars; one submission).

Allele frequency attached by ClinVar (database versions not stated): TOPMed below 0.00001; gnomAD exomes 0.00001.
gnomAD v4.1: 13 of 1,550,522 alleles (0.00084%); highest among the groups gnomAD compares: Non-Finnish European, 0.001%; no homozygotes.

Submission:

Labcorp Genetics (formerly Invitae), Labcorp
Classification: Uncertain significance. Last evaluated: 2023-10-23. Review status: criteria provided, single submitter. Criteria: Invitae Variant Classification Sherloc (09022015). Collection method: clinical testing. Allele origin: germline.
Comment: This sequence change replaces glutamine, which is neutral and polar, with arginine, which is basic and polar, at codon 1232 of the ERBIN protein (p.Gln1232Arg). This variant is not present in population databases (gnomAD no frequency). This variant has not been reported in the literature in individuals affected with ERBIN-related conditions. ClinVar contains an entry for this variant (Variation ID: 2155325). An algorithm developed to predict the effect of missense changes on protein structure and function (PolyPhen-2) suggests that this variant is likely to be tolerated. In summary, the available evidence is currently insufficient to determine the role of this variant in disease. Therefore, it has been classified as a Variant of Uncertain Significance.

NM_001253697.2(ERBIN):c.3695A>G (p.Gln1232Arg)

Gene: ERBIN (erbb2 interacting protein; plus strand). Cytogenetic location: 5q12.3.
Variant type: single nucleotide variant.
Coding change: c.3695A>G on transcript NM_001253697.2 (MANE Select); coding-DNA position 3695, A replaced by G.
Protein change: p.Gln1232Arg; replaces glutamine 1232 with arginine.
Molecular consequence: missense variant. On other transcripts: intron variant (5).
Genome position (GRCh38, 1-based): chr5:66,072,230, A>G. VCF-style: chr5-66072230-A-G. GRCh37 (hg19) VCF-style: chr5-65368058-A-G.
Other names: c.3778-2794A>G (NM_001253699.2); c.3634-2794A>G (NM_018695.4, NM_001253698.2); c.3634-4086A>G (NM_001006600.3); c.3622-2794A>G (NM_001253701.2); short protein forms Q1232R.
Identifiers: ClinVar variation 2155325 (VCV002155325.4), dbSNP rs1463157561, ClinGen allele CA359870738.